The following is an entry in ClinVar:

ClinVar aggregate classification (germline): Uncertain significance (1 of 4 stars; one submission).

Allele frequency attached by ClinVar (database versions not stated): gnomAD 0.00001; gnomAD exomes 0.00003; TOPMed 0.00003; ExAC 0.00004; ESP Exome Variant Server 0.00008.
gnomAD v4.1: 48 of 1,613,332 alleles (0.003%); highest among the groups gnomAD compares: Middle Eastern, 0.016%; no homozygotes.

Submission:

Labcorp Genetics (formerly Invitae), Labcorp
Classification: Uncertain significance. Last evaluated: 2024-12-24. Review status: criteria provided, single submitter. Criteria: Invitae Variant Classification Sherloc (09022015). Collection method: clinical testing. Allele origin: germline.
Comment: This sequence change replaces arginine, which is basic and polar, with glutamine, which is neutral and polar, at codon 509 of the HMCN1 protein (p.Arg509Gln). This variant is present in population databases (rs141775073, gnomAD 0.01%). This variant has not been reported in the literature in individuals affected with HMCN1-related conditions. ClinVar contains an entry for this variant (Variation ID: 2962599). An algorithm developed to predict the effect of missense changes on protein structure and function outputs the following: PolyPhen-2: "Benign". The glutamine amino acid residue is found in multiple mammalian species, which suggests that this missense change does not adversely affect protein function. In summary, the available evidence is currently insufficient to determine the role of this variant in disease. Therefore, it has been classified as a Variant of Uncertain Significance.

NM_031935.3(HMCN1):c.1526G>A (p.Arg509Gln)

Gene: HMCN1 (hemicentin 1; plus strand). Cytogenetic location: 1q31.1.
Variant type: single nucleotide variant.
Coding change: c.1526G>A on transcript NM_031935.3 (MANE Select); coding-DNA position 1526, G replaced by A.
Protein change: p.Arg509Gln; replaces arginine 509 with glutamine.
Molecular consequence: missense variant.
Genome position (GRCh38, 1-based): chr1:185,928,641, G>A. VCF-style: chr1-185928641-G-A. GRCh37 (hg19) VCF-style: chr1-185897773-G-A.
Other names: short protein forms R509Q.
Identifiers: ClinVar variation 2962599 (VCV002962599.3), dbSNP rs141775073, ClinGen allele CA1291129.